The following is an entry in ClinVar:

ClinVar aggregate classification (germline): Uncertain significance (1 of 4 stars; one submission).

Conditions:
Familial thoracic aortic aneurysm and aortic dissection (TAAD). Also called: Thoracic aortic aneurysms and dissections. Identifiers: Orphanet 91387, MedGen C4707243, MONDO:0019625.

Submission:

Ambry Genetics
Classification: Uncertain significance for Familial thoracic aortic aneurysm and aortic dissection. Last evaluated: 2018-09-14. Review status: criteria provided, single submitter. Criteria: Ambry Variant Classification Scheme 2023. Collection method: clinical testing. Allele origin: germline.
Comment: The p.E27K variant (also known as c.79G>A), located in coding exon 1 of the FLNA gene, results from a G to A substitution at nucleotide position 79. The glutamic acid at codon 27 is replaced by lysine, an amino acid with similar properties. This amino acid position is highly conserved in available vertebrate species. In addition, the in silico prediction for this alteration is inconclusive. Since supporting evidence is limited at this time, the clinical significance of this alteration remains unclear.

NM_001110556.2(FLNA):c.79G>A (p.Glu27Lys)

Gene: FLNA (filamin A; minus strand). Cytogenetic location: Xq28.
Variant type: single nucleotide variant.
Coding change: c.79G>A on transcript NM_001110556.2 (MANE Select); coding-DNA position 79, G replaced by A.
Protein change: p.Glu27Lys; replaces glutamic acid 27 with lysine.
Molecular consequence: missense variant.
Genome position (GRCh38, 1-based): chrX:154,371,167, C>T on the plus strand (G>A on the coding strand, the complement: FLNA is on the minus strand). VCF-style: chrX-154371167-C-T. GRCh37 (hg19) VCF-style: chrX-153599535-C-T.
Other names: c.79G>A, p.Glu27Lys (NM_001456.4); short protein forms E27K.
Identifiers: ClinVar variation 1761577 (VCV001761577.2), dbSNP rs2522771899, ClinGen allele CA415255666.